The following is an entry in ClinVar:

ClinVar aggregate classification (germline): Uncertain significance (1 of 4 stars; one submission).

Conditions:
Cardiovascular phenotype. Identifiers: MedGen CN230736.

gnomAD v4.1: 1 of 1,614,216 alleles (0.000062%); highest among the groups gnomAD compares: Admixed American, 0.0017%; no homozygotes.

Submission:

Ambry Genetics
Classification: Uncertain significance for Cardiovascular phenotype. Last evaluated: 2026-07-24. Review status: criteria provided, single submitter. Criteria: Ambry Variant Classification Scheme 2023. Collection method: clinical testing. Allele origin: germline.
Comment: The p.N598K variant (also known as c.1794T>G), located in coding exon 6 of the HCN4 gene, results from a T to G substitution at nucleotide position 1794. The asparagine at codon 598 is replaced by lysine, an amino acid with similar properties. This amino acid position is conserved. In addition, the in silico prediction for this alteration is inconclusive. Based on the available evidence, the clinical significance of this variant remains unclear.

NM_005477.3(HCN4):c.1794T>G (p.Asn598Lys)

Gene: HCN4 (hyperpolarization activated cyclic nucleotide gated potassium channel 4; minus strand). Cytogenetic location: 15q24.1.
Variant type: single nucleotide variant.
Coding change: c.1794T>G on transcript NM_005477.3 (MANE Select); coding-DNA position 1794, T replaced by G.
Protein change: p.Asn598Lys; replaces asparagine 598 with lysine.
Molecular consequence: missense variant.
Genome position (GRCh38, 1-based): chr15:73,325,139, A>C on the plus strand (T>G on the coding strand, the complement: HCN4 is on the minus strand). VCF-style: chr15-73325139-A-C. GRCh37 (hg19) VCF-style: chr15-73617480-A-C.
Other names: short protein forms N598K.
Identifiers: ClinVar variation 5022622 (VCV005022622.1).